The following is an entry in ClinVar:

NM_001376.5(DYNC1H1):c.9762+6G>A

Gene: DYNC1H1 (dynein cytoplasmic 1 heavy chain 1; plus strand). Cytogenetic location: 14q32.31.
Variant type: single nucleotide variant.
Coding change: c.9762+6G>A on transcript NM_001376.5 (MANE Select); 6 bases into the intron after coding-DNA position 9762, G replaced by A.
Molecular consequence: intron variant.
Genome position (GRCh38, 1-based): chr14:102,029,944, G>A. VCF-style: chr14-102029944-G-A. GRCh37 (hg19) VCF-style: chr14-102496281-G-A.
Identifiers: ClinVar variation 1417408 (VCV001417408.6), dbSNP rs773552333, ClinGen allele CA616580271.

ClinVar aggregate classification (germline): Uncertain significance (1 of 4 stars; one submission).

Conditions:
Charcot-Marie-Tooth disease axonal type 2O. Also called: CHARCOT-MARIE-TOOTH NEUROPATHY, AXONAL, TYPE 2O; CHARCOT-MARIE-TOOTH DISEASE, AXONAL, AUTOSOMAL DOMINANT, TYPE 2O; Charcot-Marie-Tooth Neuropathy Type 2O; Charcot-Marie-Tooth disease, axonal, type 20. Identifiers: Orphanet 284232, MedGen C3280220, MONDO:0013644, OMIM 614228.

Allele frequency attached by ClinVar (database versions not stated): TOPMed below 0.00001; gnomAD 0.00001.
gnomAD v4.1: 1 of 1,614,006 alleles (0.000062%); highest among the groups gnomAD compares: African/African-American, 0.0013%; no homozygotes.

Submission:

Labcorp Genetics (formerly Invitae), Labcorp
Classification: Uncertain significance for Charcot-Marie-Tooth disease axonal type 2O. Last evaluated: 2024-05-23. Review status: criteria provided, single submitter. Criteria: Invitae Variant Classification Sherloc (09022015). Collection method: clinical testing. Allele origin: germline.
Comment: This sequence change falls in intron 50 of the DYNC1H1 gene. It does not directly change the encoded amino acid sequence of the DYNC1H1 protein. It affects a nucleotide within the consensus splice site. This variant is present in population databases (no rsID available, gnomAD 0.01%). This variant has not been reported in the literature in individuals affected with DYNC1H1-related conditions. ClinVar contains an entry for this variant (Variation ID: 1417408). Variants that disrupt the consensus splice site are a relatively common cause of aberrant splicing (PMID: 17576681, 9536098). Algorithms developed to predict the effect of sequence changes on RNA splicing suggest that this variant is not likely to affect RNA splicing. In summary, the available evidence is currently insufficient to determine the role of this variant in disease. Therefore, it has been classified as a Variant of Uncertain Significance.

Literature cited by the submitters: PubMed 17576681; PubMed 9536098.